The following is an entry in ClinVar:

ClinVar aggregate classification (germline): Uncertain significance (1 of 4 stars; one submission).

gnomAD v4.1: 1 of 1,614,050 alleles (0.000062%); highest among the groups gnomAD compares: African/African-American, 0.0013%; no homozygotes.

Submission:

Ambry Genetics
Classification: Uncertain significance. Last evaluated: 2023-12-04. Review status: criteria provided, single submitter. Criteria: Ambry Variant Classification Scheme 2023. Collection method: clinical testing. Allele origin: germline.
Comment: The p.R1578G variant (also known as c.4732C>G), located in coding exon 4 of the ALPK2 gene, results from a C to G substitution at nucleotide position 4732. The arginine at codon 1578 is replaced by glycine, an amino acid with dissimilar properties. This amino acid position is conserved. In addition, this alteration is predicted to be tolerated by in silico analysis. Since supporting evidence is limited at this time, the clinical significance of this alteration remains unclear.

NM_052947.4(ALPK2):c.4732C>G (p.Arg1578Gly)

Genes: ALPK2 (alpha kinase 2; minus strand), LOC126862764 (BRD4-independent group 4 enhancer GRCh37_chr18:56202574-56203773; plus strand). Cytogenetic location: 18q21.31.
Variant type: single nucleotide variant.
Coding change: c.4732C>G on transcript NM_052947.4 (MANE Select); coding-DNA position 4732, C replaced by G.
Protein change: p.Arg1578Gly; replaces arginine 1578 with glycine.
Molecular consequence: missense variant.
Genome position (GRCh38, 1-based): chr18:58,535,455, G>C on the plus strand (C>G on the coding strand, the complement: ALPK2 is on the minus strand). VCF-style: chr18-58535455-G-C. GRCh37 (hg19) VCF-style: chr18-56202687-G-C.
Other names: short protein forms R1578G.
Identifiers: ClinVar variation 3228765 (VCV003228765.1), dbSNP rs780512023, ClinGen allele CA300926335.
Genomic context (GRCh38, chr18:58,535,455, plus strand): 5'-GTTTCCCACGCTCATTCTCAATAGTTCCCCTTTTCTGTGAAACAGGAAACACATACTGAC[G>C]CTTTCTGGGCTCAACTATGTCATTTTCAGGGACGTCATGAATTTGGCCTGTGGAGTTGTG-3'
Protein context (NP_443179.3, residues 1568-1588): PENDIVEPRK[Arg1578Gly]QYVFPVSQKR